The following is an entry in ClinVar:

ClinVar aggregate classification (germline): Likely pathogenic. Review status: reviewed by expert panel (3 of 4 stars). 7 submissions from 7 submitters: Likely pathogenic (1). 6 of the submissions do not count toward it. Last evaluated 2025-12-02.

Conditions:
BRCA2-related cancer predisposition. Identifiers: MedGen CN377758, MONDO:0700269.
Hereditary cancer-predisposing syndrome. Also called: Neoplastic Syndromes, Hereditary; Tumor predisposition; Hereditary Cancer Syndrome; Hereditary neoplastic syndrome. Identifiers: Orphanet 140162, MedGen C0027672, MeSH D009386, MONDO:0015356.
Hereditary breast ovarian cancer syndrome. Also called: Hereditary breast and ovarian cancer; Hereditary breast and ovarian cancer syndrome; Hereditary breast and/or ovarian cancer syndrome; Hereditary breast and ovarian cancer syndrome (HBOC); Breast and ovarian cancer; BRCA1- and BRCA2-Associated Hereditary Breast and Ovarian Cancer. Identifiers: Orphanet 145, MedGen C0677776, MeSH D061325, MONDO:0003582. Disease mechanism: loss of function.
Breast-ovarian cancer, familial, susceptibility to, 2 (BROVCA2). Also called: BRCA2 Hereditary Breast and Ovarian Cancer. Identifiers: Orphanet 145, MedGen C2675520, MONDO:0012933, OMIM 612555. Disease mechanism: loss of function.

gnomAD v4.1: 1 of 1,614,108 alleles (0.000062%); highest among the groups gnomAD compares: Non-Finnish European, 0.000085%; no homozygotes.

Submissions (7):

ClinGen ENIGMA BRCA1 and BRCA2 Variant Curation Expert Panel, ClinGen
Classification: Likely pathogenic for BRCA2-related cancer predisposition. Last evaluated: 2025-12-02. Review status: reviewed by expert panel. Criteria: CSpec BRCA12ACMG Rules Specifications V1.1. Collection method: curation. Allele origin: germline. Inheritance: Autosomal dominant inheritance.
Comment: The c.7874G>T variant in BRCA2 is a missense variant predicted to cause substitution of Arginine by Isoleucine at amino acid 2625 (p.(Arg2625Ile)). This variant is absent from gnomAD v2.1 (exomes only, non-cancer subset, read depth ≥25) and gnomAD v3.1 (non-cancer subset, read depth ≥25) (PM2_Supporting met). Reported by three calibrated studies to exhibit protein function similar to pathogenic control variants (PMIDs:38417439, 39779857, 39779848) (PS3 met). This BRCA2 missense variant is within a key functional domain and the computational predictor BayesDel (noAF) gives a score of 0.2, indicating impact on BRCA2 function via protein change is unclear (score range 0.18-0.30). A SpliceAI score of 0.01 predicts no impact on splicing (score threshold <0.10) (no bioinformatic code is applied). Multifactorial likelihood ratio analysis using clinically calibrated data produced a combined LR for this variant of 5.33 (based on Case-Control LR=5.33), within the thresholds for moderate evidence towards pathogenicity (LR ≥4.3 & <18.7) (PP4_Moderate met; PMID: 40413188). In summary, this variant meets the criteria to be classified as a Likely pathogenic variant for BRCA2-related cancer predisposition based on the ACMG/AMP criteria applied as specified by the ENIGMA BRCA1/2 VCEP (PM2_Supporting, PS3, PP4_Moderate).

German Consortium for Hereditary Breast and Ovarian Cancer, University Hospital Cologne
Classification: Likely pathogenic for Hereditary breast ovarian cancer syndrome. Last evaluated: 2026-09-11. Review status: criteria provided, single submitter. Criteria: ClinGen BRCA2 1.2.0. Collection method: curation. Allele origin: germline. Not counted in ClinVar's aggregate classification.
Comment: This classification follows the ClinGen ENIGMA BRCA2 v1.2.0 classification scheme; We chose these criteria: PS3 (strong pathogenic): ClinGen BRCA2 Table 9: Richardson 2021 (PMID:33609447) - Damaging / Hu et al., 2024, Huang et al., 2025: and Sahu et al., 2024: HDR abnormal; P/LP, PM2 (supporting pathogenic): absent from gnomAD v2/3, PP4 (medium pathogenic): combined LR of 5.33 / pathogenic moderate (Zanti et al., 2025)

Ambry Genetics
Classification: Likely pathogenic for Hereditary cancer-predisposing syndrome. Last evaluated: 2025-01-21. Review status: criteria provided, single submitter. Criteria: Ambry Variant Classification Scheme 2023. Collection method: clinical testing. Allele origin: germline. Not counted in ClinVar's aggregate classification.
Comment: The p.R2625I variant (also known as c.7874G>T), located in coding exon 16 of the BRCA2 gene, results from a G to T substitution at nucleotide position 7874. The arginine at codon 2625 is replaced by isoleucine, an amino acid with similar properties. This variant was non-functional in a homology-directed DNA repair (HDR) assay (Ambry internal data). In addition, this variant was reported in 2/60,466 breast cancer cases and in 1/53,461 controls (Dorling et al. N Engl J Med. 2021 02;384:428-439). This alteration is also predicted to destabilize the local structure and disrupt the protein binding ability of BRCA2 (Yang H et al. Science 2002 Sep;297:1837-48; Marston NJ et al. Mol. Cell. Biol. 1999 Jul;19:4633-42; Ambry internal data). This amino acid position is well conserved in available vertebrate species. In addition, this alteration is predicted to be deleterious by in silico analysis. Based on the majority of available evidence to date, this variant is likely to be pathogenic.

Labcorp Genetics (formerly Invitae), Labcorp
Classification: Uncertain significance for Hereditary breast ovarian cancer syndrome. Last evaluated: 2024-08-12. Review status: criteria provided, single submitter. Criteria: Invitae Variant Classification Sherloc (09022015). Collection method: clinical testing. Allele origin: germline. Not counted in ClinVar's aggregate classification.
Comment: This sequence change replaces arginine, which is basic and polar, with isoleucine, which is neutral and non-polar, at codon 2625 of the BRCA2 protein (p.Arg2625Ile). This variant is not present in population databases (gnomAD no frequency). This variant has not been reported in the literature in individuals affected with BRCA2-related conditions. ClinVar contains an entry for this variant (Variation ID: 419217). Invitae Evidence Modeling incorporating data from in vitro experimental studies (PMID: 33609447) indicates that this missense variant is expected to disrupt BRCA2 function with a positive predictive value of 95%. Experimental studies have shown that this missense change affects BRCA2 function (PMID: 35736817). In summary, the available evidence is currently insufficient to determine the role of this variant in disease. Therefore, it has been classified as a Variant of Uncertain Significance.

All of Us Research Program, National Institutes of Health
Classification: Uncertain significance for Breast-ovarian cancer, familial, susceptibility to, 2. Last evaluated: 2023-06-28. Review status: criteria provided, single submitter. Criteria: ACMG Guidelines, 2015. Collection method: clinical testing. Allele origin: germline. Inheritance: Autosomal dominant inheritance. Observed: 1 variant allele, 1 heterozygote. Not counted in ClinVar's aggregate classification.
Comment: This missense variant replaces arginine with isoleucine at codon 2625 of the BRCA2 protein. Computational prediction suggests that this variant may have deleterious impact on protein structure and function (internally defined REVEL score threshold >= 0.7, PMID: 27666373). Functional studies have shown that this variant impairs homology-directed DNA repair (PMID: 33609447). In a large breast cancer case-control study conducted by the BRIDGES consortium, this variant was reported in 2/60466 cases and 1/53461 unaffected controls (p-value=1; Leiden Open Variation Database DB-ID BRCA2_008629) (PMID: 33471991). This variant has not been identified in the general population by the Genome Aggregation Database (gnomAD). The available evidence is insufficient to determine the role of this variant in disease conclusively. Therefore, this variant is classified as a Variant of Uncertain Significance.

This study involves interpretation of variants in research participants for the purpose of population health screening. Participant phenotype was not available at the time of variant classification. Additional details can be found in publication PMID: 35346344, PMCID: PMC8962531

Color Diagnostics, LLC DBA Color Health
Classification: Uncertain significance for Hereditary cancer-predisposing syndrome. Last evaluated: 2023-02-02. Review status: criteria provided, single submitter. Criteria: ACMG Guidelines, 2015. Collection method: clinical testing. Allele origin: germline. Not counted in ClinVar's aggregate classification.
Comment: This missense variant replaces arginine with isoleucine at codon 2625 of the BRCA2 protein. Computational prediction suggests that this variant may have deleterious impact on protein structure and function (internally defined REVEL score threshold >= 0.7, PMID: 27666373). Functional studies have shown that this variant impairs homology-directed DNA repair (PMID: 33609447). This variant has been reported in an individual affected with prostate cancer (PMID: 31874108). In a large breast cancer case-control study conducted by the BRIDGES consortium, this variant was reported in 2/60466 cases and 1/53461 unaffected controls (PMID: 33471991; Leiden Open Variation Database DB-ID BRCA2_008629). This variant has not been identified in the general population by the Genome Aggregation Database (gnomAD). The available evidence is insufficient to determine the role of this variant in disease conclusively. Therefore, this variant is classified as a Variant of Uncertain Significance.

GeneDx
Classification: Uncertain significance. Last evaluated: 2015-06-10. Review status: criteria provided, single submitter. Criteria: GeneDx Variant Classification (06012015). Collection method: clinical testing. Allele origin: germline. Affected: yes. Not counted in ClinVar's aggregate classification.
Comment: This variant is denoted BRCA2 c.7874G>T at the cDNA level, p.Arg2625Ile (R2625I) at the protein level, and results in the change of an Arginine to an Isoleucine (AGA>ATA). Using alternate nomenclature, this variant would be defined as BRCA2 8102G>T. This variant has not, to our knowledge, been published in the literature as pathogenic or benign. BRCA2 Arg2625Ile was not observed in approximately 6,500 individuals of European and African American ancestry in the NHLBI Exome Sequencing Project, indicating it is not a common benign variant in these populations. Since Arginine and Isoleucine differ in polarity, charge, size or other properties, this is considered a non-conservative amino acid substitution. BRCA2 Arg2625Ile occurs at a position where amino acids with properties similar to Arginine are tolerated across species and is located in the DNA-binding domain (Borg 2010). In silico analyses predict that this variant is probably damaging to protein structure and function. Based on currently available information, it is unclear whether BRCA2 Arg2625Ile is pathogenic or benign. We consider it to be a variant of uncertain significance.

Literature cited by the submitters: PubMed 33471991 (cited by 3 submitters); PubMed 33609447 (cited by 4 submitters); PubMed 35736817 (cited by Labcorp Genetics (formerly Invitae), Labcorp); PubMed 31874108 (cited by Color Diagnostics, LLC DBA Color Health).

NM_000059.4(BRCA2):c.7874G>T (p.Arg2625Ile)

Gene: BRCA2 (BRCA2 DNA repair associated; plus strand). Cytogenetic location: 13q13.1.
Variant type: single nucleotide variant.
Coding change: c.7874G>T on transcript NM_000059.4 (MANE Select); coding-DNA position 7874, G replaced by T.
Protein change: p.Arg2625Ile; replaces arginine 2625 with isoleucine.
Molecular consequence: missense variant.
Genome position (GRCh38, 1-based): chr13:32,362,591, G>T. VCF-style: chr13-32362591-G-T. GRCh37 (hg19) VCF-style: chr13-32936728-G-T.
Other names: NM_000059.4(BRCA2):c.7874G>T; p.Arg2625Ile; short protein forms R2625I.
Identifiers: ClinVar variation 419217 (VCV000419217.18), dbSNP rs864622552, ClinGen allele CA16619772.